The following is an entry in ClinVar:

ClinVar aggregate classification (germline): Uncertain significance (1 of 4 stars; one submission).

gnomAD v4.1: 1 of 1,614,126 alleles (0.000062%); highest among the groups gnomAD compares: East Asian, 0.0022%; no homozygotes.

Submission:

GeneDx
Classification: Uncertain significance. Last evaluated: 2025-04-16. Review status: criteria provided, single submitter. Criteria: GeneDx Variant Classification Process June 2021. Collection method: clinical testing. Allele origin: germline. Affected: yes.
Comment: Not observed at significant frequency in large population cohorts (gnomAD); In silico analysis supports that this missense variant has a deleterious effect on protein structure/function; Has not been previously published as pathogenic or benign to our knowledge

NM_000552.5(VWF):c.977T>C (p.Val326Ala)

Gene: VWF (von Willebrand factor; minus strand). Cytogenetic location: 12p13.31.
Variant type: single nucleotide variant.
Coding change: c.977T>C on transcript NM_000552.5 (MANE Select); coding-DNA position 977, T replaced by C.
Protein change: p.Val326Ala; replaces valine 326 with alanine.
Molecular consequence: missense variant.
Genome position (GRCh38, 1-based): chr12:6,073,639, A>G on the plus strand (T>C on the coding strand, the complement: VWF is on the minus strand). VCF-style: chr12-6073639-A-G. GRCh37 (hg19) VCF-style: chr12-6182805-A-G.
Other names: short protein forms V326A.
Identifiers: ClinVar variation 4282074 (VCV004282074.1).